The following is an entry in ClinVar:

ClinVar aggregate classification (germline): Uncertain significance (1 of 4 stars; one submission).

Conditions:
Brugada syndrome 4 (BRGDA4). Identifiers: Orphanet 130, MedGen C2678477, MONDO:0012743, OMIM 611876.

Submission:

Labcorp Genetics (formerly Invitae), Labcorp
Classification: Uncertain significance for Brugada syndrome 4. Last evaluated: 2019-11-27. Review status: criteria provided, single submitter. Criteria: Invitae Variant Classification Sherloc (09022015). Collection method: clinical testing. Allele origin: germline.
Comment: This sequence change replaces alanine with serine at codon 376 of the CACNB2 protein (p.Ala376Ser). The alanine residue is highly conserved and there is a moderate physicochemical difference between alanine and serine. In summary, the available evidence is currently insufficient to determine the role of this variant in disease. Therefore, it has been classified as a Variant of Uncertain Significance. Algorithms developed to predict the effect of missense changes on protein structure and function output the following: SIFT: "Deleterious"; PolyPhen-2: "Benign"; Align-GVGD: "Class C65". The serine amino acid residue is found in multiple mammalian species, suggesting that this missense change does not adversely affect protein function. These predictions have not been confirmed by published functional studies and their clinical significance is uncertain. This variant has not been reported in the literature in individuals with CACNB2-related conditions. This variant is not present in population databases (ExAC no frequency).

NM_201596.3(CACNB2):c.1288G>T (p.Ala430Ser)

Gene: CACNB2 (calcium voltage-gated channel auxiliary subunit beta 2; plus strand). Cytogenetic location: 10p12.31.
Variant type: single nucleotide variant.
Coding change: c.1288G>T on transcript NM_201596.3 (MANE Select); coding-DNA position 1288, G replaced by T.
Protein change: p.Ala430Ser; replaces alanine 430 with serine.
Molecular consequence: missense variant.
Genome position (GRCh38, 1-based): chr10:18,536,182, G>T. VCF-style: chr10-18536182-G-T. GRCh37 (hg19) VCF-style: chr10-18825111-G-T.
Other names: c.1123G>T, p.Ala375Ser (NM_000724.4); c.1090G>T, p.Ala364Ser (NM_001167945.2); c.1009G>T, p.Ala337Ser (NM_001330060.2); c.1144G>T, p.Ala382Ser (NM_201570.3); c.1204G>T, p.Ala402Ser (NM_201571.4); c.1132G>T, p.Ala378Ser (NM_201572.4); c.1126G>T, p.Ala376Ser (NM_201590.3); c.1174G>T, p.Ala392Ser (NM_201593.3); and 1 more; short protein forms A337S, A375S, A406S, A430S, A376S, A378S, A382S, A392S.
Identifiers: ClinVar variation 862842 (VCV000862842.9), dbSNP rs2053550331, ClinGen allele CA376068998.